The following is an entry in ClinVar:

NM_000751.3(CHRND):c.1126C>T (p.Arg376Trp)

Gene: CHRND (cholinergic receptor nicotinic delta subunit; plus strand). Cytogenetic location: 2q37.1.
Variant type: single nucleotide variant.
Coding change: c.1126C>T on transcript NM_000751.3 (MANE Select); coding-DNA position 1126, C replaced by T.
Protein change: p.Arg376Trp; replaces arginine 376 with tryptophan.
Molecular consequence: missense variant.
Genome position (GRCh38, 1-based): chr2:232,534,009, C>T. VCF-style: chr2-232534009-C-T. GRCh37 (hg19) VCF-style: chr2-233398719-C-T.
Other names: c.1081C>T, p.Arg361Trp (NM_001256657.2); c.544C>T, p.Arg182Trp (NM_001311195.2); c.823C>T, p.Arg275Trp (NM_001311196.2); short protein forms R376W, R182W, R361W, R275W.
Identifiers: ClinVar variation 579131 (VCV000579131.8), dbSNP rs368819172, ClinGen allele CA2168271.

ClinVar aggregate classification (germline): Uncertain significance (1 of 4 stars; one submission).

Conditions:
Lethal multiple pterygium syndrome (LMPS). Identifiers: Orphanet 33108, MedGen C1854678, MONDO:0009668, OMIM 253290.

Allele frequency attached by ClinVar (database versions not stated): gnomAD exomes 0.00002 and 0.00007; TOPMed 0.00003; ESP Exome Variant Server 0.00008; ExAC 0.00010.
gnomAD v4.1: 25 of 1,613,980 alleles (0.0015%); highest among the groups gnomAD compares: Admixed American, 0.032%; no homozygotes.

Submission:

Labcorp Genetics (formerly Invitae), Labcorp
Classification: Uncertain significance for Lethal multiple pterygium syndrome. Last evaluated: 2024-08-21. Review status: criteria provided, single submitter. Criteria: Invitae Variant Classification Sherloc (09022015). Collection method: clinical testing. Allele origin: germline.
Comment: This sequence change replaces arginine, which is basic and polar, with tryptophan, which is neutral and slightly polar, at codon 376 of the CHRND protein (p.Arg376Trp). This variant is present in population databases (rs368819172, gnomAD 0.04%). This variant has not been reported in the literature in individuals affected with CHRND-related conditions. ClinVar contains an entry for this variant (Variation ID: 579131). Invitae Evidence Modeling of protein sequence and biophysical properties (such as structural, functional, and spatial information, amino acid conservation, physicochemical variation, residue mobility, and thermodynamic stability) indicates that this missense variant is expected to disrupt CHRND protein function with a positive predictive value of 80%. In summary, the available evidence is currently insufficient to determine the role of this variant in disease. Therefore, it has been classified as a Variant of Uncertain Significance.